The following is an entry in ClinVar:

ClinVar aggregate classification (germline): Conflicting classifications of pathogenicity. Review status: criteria provided, conflicting classifications (1 of 4 stars). 7 submissions from 1 submitter: Uncertain significance (1); Benign (5); Likely benign (1). Last evaluated 2018-01-13.

Conditions:
Geleophysic dysplasia. Identifiers: Orphanet 2623, MedGen C3489726, MONDO:0000127.
Weill-Marchesani syndrome. Also called: WM Syndrome; Mesodermal dysmorphodystrophy congenital. Identifiers: Orphanet 3449, MedGen C0265313, MONDO:0018096.
Ectopia lentis 1, isolated, autosomal dominant (ECTOL1). Identifiers: Orphanet 1885, MedGen C3541518, MONDO:0007514, OMIM 129600.
Acromicric dysplasia (ACMICD). Also called: Acromicric skeletal dysplasia. Identifiers: Orphanet 969, MedGen C0265287, MONDO:0007055, OMIM 102370.
Marfan syndrome (MFS). Also called: Marfan syndrome, classic; Marfan syndrome type 1; Marfan's syndrome; FBN1-Related Marfan Syndrome; MARFAN SYNDROME, TYPE I. Identifiers: Orphanet 284963, Orphanet 558, MedGen C0024796, MONDO:0007947, OMIM 154700.
Familial thoracic aortic aneurysm and aortic dissection (TAAD). Also called: Thoracic aortic aneurysms and dissections. Identifiers: Orphanet 91387, MedGen C4707243, MONDO:0019625.
Stiff skin syndrome (SSKS). Identifiers: Orphanet 2833, MedGen C1861456, MONDO:0008492, OMIM 184900.

Allele frequency attached by ClinVar (database versions not stated): 1000 Genomes Project 0.00040; 1000 Genomes Project 30x 0.00047; gnomAD 0.00062 and 0.00064; TOPMed 0.00060.

Submissions (7):

Illumina Laboratory Services, Illumina
Classification: Benign for Weill-Marchesani syndrome. Last evaluated: 2018-01-13. Review status: criteria provided, single submitter. Criteria: ICSL Variant Classification Criteria 13 December 2019. Collection method: clinical testing. Allele origin: germline.
Comment: This variant was observed in the ICSL laboratory as part of a predisposition screen in an ostensibly healthy population. It had not been previously curated by ICSL or reported in the Human Gene Mutation Database (HGMD: prior to June 1st, 2018), and was therefore a candidate for classification through an automated scoring system. Utilizing variant allele frequency, disease prevalence and penetrance estimates, and inheritance mode, an automated score was calculated to assess if this variant is too frequent to cause the disease. Based on the score and internal cut-off values, a variant classified as benign is not then subjected to further curation. The score for this variant resulted in a classification of benign for this disease.

Illumina Laboratory Services, Illumina
Classification: Benign for Ectopia lentis 1, isolated, autosomal dominant. Last evaluated: 2018-01-13. Review status: criteria provided, single submitter. Criteria: ICSL Variant Classification Criteria 13 December 2019. Collection method: clinical testing. Allele origin: germline.
Comment: the same text as in the submission from Illumina Laboratory Services, Illumina above.

Illumina Laboratory Services, Illumina
Classification: Benign for Acromicric dysplasia. Last evaluated: 2018-01-13. Review status: criteria provided, single submitter. Criteria: ICSL Variant Classification Criteria 13 December 2019. Collection method: clinical testing. Allele origin: germline.
Comment: the same text as in the submission from Illumina Laboratory Services, Illumina above.

Illumina Laboratory Services, Illumina
Classification: Benign for Geleophysic dysplasia. Last evaluated: 2018-01-13. Review status: criteria provided, single submitter. Criteria: ICSL Variant Classification Criteria 13 December 2019. Collection method: clinical testing. Allele origin: germline.
Comment: the same text as in the submission from Illumina Laboratory Services, Illumina above.

Illumina Laboratory Services, Illumina
Classification: Uncertain significance for Familial thoracic aortic aneurysm and aortic dissection. Last evaluated: 2018-01-13. Review status: criteria provided, single submitter. Criteria: ICSL Variant Classification Criteria 13 December 2019. Collection method: clinical testing. Allele origin: germline.

Illumina Laboratory Services, Illumina
Classification: Benign for Stiff skin syndrome. Last evaluated: 2018-01-13. Review status: criteria provided, single submitter. Criteria: ICSL Variant Classification Criteria 13 December 2019. Collection method: clinical testing. Allele origin: germline.
Comment: the same text as in the submission from Illumina Laboratory Services, Illumina above.

Illumina Laboratory Services, Illumina
Classification: Likely benign for Marfan syndrome. Last evaluated: 2018-01-13. Review status: criteria provided, single submitter. Criteria: ICSL Variant Classification Criteria 13 December 2019. Collection method: clinical testing. Allele origin: germline.
Comment: This variant was observed in the ICSL laboratory as part of a predisposition screen in an ostensibly healthy population. It had not been previously curated by ICSL or reported in the Human Gene Mutation Database (HGMD: prior to June 1st, 2018), and was therefore a candidate for classification through an automated scoring system. Utilizing variant allele frequency, disease prevalence and penetrance estimates, and inheritance mode, an automated score was calculated to assess if this variant is too frequent to cause the disease. Based on the score and internal cut-off values, a variant classified as likely benign is not then subjected to further curation. The score for this variant resulted in a classification of likely benign for this disease.

NM_000138.5(FBN1):c.*779C>T

Gene: FBN1 (fibrillin 1; minus strand). Cytogenetic location: 15q21.1.
Variant type: single nucleotide variant.
Coding change: c.*779C>T on transcript NM_000138.5 (MANE Select); 779 bases downstream of the stop codon, C replaced by T.
Molecular consequence: 3 prime UTR variant.
Genome position (GRCh38, 1-based): chr15:48,410,211, G>A on the plus strand (C>T on the coding strand, the complement: FBN1 is on the minus strand). VCF-style: chr15-48410211-G-A. GRCh37 (hg19) VCF-style: chr15-48702408-G-A.
Identifiers: ClinVar variation 885096 (VCV000885096.4), dbSNP rs113200355, ClinGen allele CA269518501.
Genomic context (GRCh38, chr15:48,410,211, plus strand): 5'-AATCTTGGCATATTGCACATGCTGTGATGAAGGATGCACTGGTGATCCTCTGGCCACTGA[G>A]GCTGTTTCCTGGTCCTCCCAGACCTCTATGCACGTGTGGGCCAGTCACCGAAATTTCATT-3'